The following is an entry in ClinVar:

NM_014362.4(HIBCH):c.595G>T (p.Gly199Ter)

Gene: HIBCH (3-hydroxyisobutyryl-CoA hydrolase; minus strand). Cytogenetic location: 2q32.2.
Variant type: single nucleotide variant.
Coding change: c.595G>T on transcript NM_014362.4 (MANE Select); coding-DNA position 595, G replaced by T.
Protein change: p.Gly199Ter; replaces glycine 199 with a stop codon.
Molecular consequence: nonsense.
Genome position (GRCh38, 1-based): chr2:190,252,230, C>A on the plus strand (G>T on the coding strand, the complement: HIBCH is on the minus strand). VCF-style: chr2-190252230-C-A. GRCh37 (hg19) VCF-style: chr2-191116956-C-A.
Other names: c.595G>T, p.Gly199Ter (NM_198047.3); short protein forms G199*.
Identifiers: ClinVar variation 520645 (VCV000520645.5), dbSNP rs755786597, ClinGen allele CA2027577.
Genomic context (GRCh38, chr2:190,252,230, plus strand): 5'-AATCTACAAAGTGTGTAGCAATTCCTGCTCTGTACACATCTCTTCCTTTTAGTCTGAATC[C>A]TGTTAATGCAAGGAAGTAACCAAGTTTTCCTTGGAGTCGTGGCAAGAAATAACCTCCACC-3'

ClinVar aggregate classification (germline): Pathogenic (1 of 4 stars; one submission).

Conditions:
Inborn genetic diseases. Identifiers: MedGen C0950123, MeSH D030342.

Submission:

Ambry Genetics
Classification: Pathogenic for Inborn genetic diseases. Last evaluated: 2026-07-20. Review status: criteria provided, single submitter. Criteria: Ambry Variant Classification Scheme 2023. Collection method: clinical testing. Allele origin: germline.
Comment: The c.595G>T (p.G199*) alteration, located in exon 8 (coding exon 8) of the HIBCH gene, consists of a G to T substitution at nucleotide position 595. This changes the amino acid from a glycine (G) to a stop codon at amino acid position 199. This variant is expected to result in loss of function by premature protein truncation or nonsense-mediated mRNA decay. This variant was not reported in population-based cohorts in the Genome Aggregation Database (gnomAD). Based on the available evidence, this alteration is classified as pathogenic.